The following is an entry in ClinVar:

ClinVar aggregate classification (germline): Uncertain significance (1 of 4 stars; one submission).

Submission:

Labcorp Genetics (formerly Invitae), Labcorp
Classification: Uncertain significance. Last evaluated: 2023-10-14. Review status: criteria provided, single submitter. Criteria: Invitae Variant Classification Sherloc (09022015). Collection method: clinical testing. Allele origin: germline.
Comment: This sequence change replaces cysteine, which is neutral and slightly polar, with arginine, which is basic and polar, at codon 237 of the CFH protein (p.Cys237Arg). This variant is not present in population databases (gnomAD no frequency). This variant has not been reported in the literature in individuals affected with CFH-related conditions. An algorithm developed to predict the effect of missense changes on protein structure and function (PolyPhen-2) suggests that this variant is likely to be disruptive. In summary, the available evidence is currently insufficient to determine the role of this variant in disease. Therefore, it has been classified as a Variant of Uncertain Significance.

NM_000186.4(CFH):c.709T>C (p.Cys237Arg)

Gene: CFH (complement factor H; plus strand). Cytogenetic location: 1q31.3.
Variant type: single nucleotide variant.
Coding change: c.709T>C on transcript NM_000186.4 (MANE Select); coding-DNA position 709, T replaced by C.
Protein change: p.Cys237Arg; replaces cysteine 237 with arginine.
Molecular consequence: missense variant.
Genome position (GRCh38, 1-based): chr1:196,679,712, T>C. VCF-style: chr1-196679712-T-C. GRCh37 (hg19) VCF-style: chr1-196648842-T-C.
Other names: c.709T>C, p.Cys237Arg (NM_001014975.3); short protein forms C237R.
Identifiers: ClinVar variation 2844853 (VCV002844853.3), dbSNP rs2529353077, ClinGen allele CA343977866.